The following is an entry in ClinVar:

ClinVar aggregate classification (germline): Uncertain significance (1 of 4 stars; one submission).

Conditions:
Familial intrahepatic cholestasis. Identifiers: Orphanet 284385, MedGen CN296401, MONDO:0017290.

Submission:

Genomenon, Inc
Classification: Uncertain significance for Familial intrahepatic cholestasis. Last evaluated: 2026-04-14. Review status: criteria provided, single submitter. Criteria: Genomenon Sequence Variant Interpretation Standards - Updated. Collection method: curation. Allele origin: germline. Affected: yes.
Comment: ABCB11 p.Lys833Thr (c.2498A>C) is a missense variant that changes the amino acid at residue 833 from Lysine to Threonine. This variant has been observed in at least one individual with transient neonatal cholestasis (PMID:32808743). It is absent or not present at a significant frequency in gnomAD. In conclusion, we classify ABCB11 p.Lys833Thr (c.2498A>C) as a variant of uncertain significance.

Literature cited by the submitters: PubMed 32808743.

NM_003742.4(ABCB11):c.2498A>C (p.Lys833Thr)

Gene: ABCB11 (ATP binding cassette subfamily B member 11; minus strand). Cytogenetic location: 2q31.1.
Variant type: single nucleotide variant.
Coding change: c.2498A>C on transcript NM_003742.4 (MANE Select); coding-DNA position 2498, A replaced by C.
Protein change: p.Lys833Thr; replaces lysine 833 with threonine.
Molecular consequence: missense variant.
Genome position (GRCh38, 1-based): chr2:168,944,717, T>G on the plus strand (A>C on the coding strand, the complement: ABCB11 is on the minus strand). VCF-style: chr2-168944717-T-G. GRCh37 (hg19) VCF-style: chr2-169801227-T-G.
Other names: short protein forms K833T.
Identifiers: ClinVar variation 4846072 (VCV004846072.1).